The following is an entry in ClinVar:

ClinVar aggregate classification (germline): Conflicting classifications of pathogenicity. Review status: criteria provided, conflicting classifications (1 of 4 stars). 18 submissions from 18 submitters: Pathogenic (13); Likely pathogenic (3); Uncertain significance (1). 1 of the submissions does not count toward it. Last evaluated 2026-09-25.

Conditions:
ACSF3-related disorder. Also called: ACSF3-related condition.
Inborn genetic diseases. Identifiers: MedGen C0950123, MeSH D030342.
Combined malonic and methylmalonic acidemia. Identifiers: Orphanet 289504, MedGen C3280314, MONDO:0013661, OMIM 614265.

Allele frequency attached by ClinVar (database versions not stated): 1000 Genomes Project 30x 0.00062; gnomAD exomes 0.00067 and 0.00117; ExAC 0.00069; gnomAD 0.00070 and 0.00071; TOPMed 0.00078; 1000 Genomes Project 0.00080; ESP Exome Variant Server 0.00085.
gnomAD v4.1: 1,815 of 1,613,574 alleles (0.11%); highest among the groups gnomAD compares: Non-Finnish European, 0.14%; 1 homozygote.

Submissions 1 to 8 of 18:

PreventionGenetics, part of Exact Sciences
Classification: Pathogenic for ACSF3-related condition. Last evaluated: 2026-09-25. Review status: criteria provided, single submitter. Criteria: ACMG Guidelines, 2015. Collection method: clinical testing. Allele origin: germline.
Comment: The ACSF3 c.1075G>A variant is predicted to result in the amino acid substitution p.Glu359Lys. This variant has been reported, in the homozygous state or in the heterozygous state with another possible causative variant, in multiple unrelated individuals diagnosed with combined malonic and methylmalonic aciduria (CMAMMA) (Alfares et al. 2011. PubMed ID: 21785126; Sloan et al. 2011. PubMed ID: 21841779; de Sain-van der Velden et al. 2016. PubMed ID: 26915364; Brasil et al. 2018. PubMed ID: 30041674). It has been found to be one of the most commonly reported causative variants in ACSF3 (Levtova et al. 2019. PubMed ID: 30740739). This variant is reported in 0.11% of alleles in individuals of European (Non-Finnish) descent in gnomAD. This variant is interpreted as pathogenic.

Dasa
Classification: Pathogenic. Last evaluated: 2026-04-18. Review status: criteria provided, single submitter. Criteria: DASA Assertion Criteria. Collection method: clinical testing. Allele origin: germline.
Comment: NM_001243279.3(ACSF3):c.1075G>A (p.Glu359Lys) is a missense variant that results in the substitution of glutamic acid with lysine. This variant has been recurrently observed in individuals with related phenotype (PMID: 21785126; PMID: 21841779; PMID: 26915364; PMID: 30740739). Segregation evidence has been reported in affected families. Multiple computational predictions support a deleterious effect on the gene or gene product. The variant is present at low frequency in population datasets. Based on the available data, this variant is classified as pathogenic.

CeGaT Center for Human Genetics Tuebingen
Classification: Pathogenic. Last evaluated: 2026-04-01. Review status: criteria provided, single submitter. Criteria: CeGaT Center For Human Genetics Tuebingen Variant Classification Criteria Version 2. Collection method: clinical testing. Allele origin: germline. Affected: yes. Observed: 2 variant alleles.
Comment: ACSF3: PM3:Very Strong, PM2:Supporting, PP3

Labcorp Genetics (formerly Invitae), Labcorp
Classification: Pathogenic for Combined malonic and methylmalonic acidemia. Last evaluated: 2026-01-27. Review status: criteria provided, single submitter. Criteria: Invitae Variant Classification Sherloc (09022015). Collection method: clinical testing. Allele origin: germline.
Comment: This sequence change replaces glutamic acid, which is acidic and polar, with lysine, which is basic and polar, at codon 359 of the ACSF3 protein (p.Glu359Lys). This variant is present in population databases (rs150487794, gnomAD 0.1%), and has an allele count higher than expected for a pathogenic variant. This missense change has been observed in individual(s) with combined malonic and methylmalonic aciduria (PMID: 21785126, 21841779, 26915364, 30740739; internal data). In at least one individual the data is consistent with being in trans (on the opposite chromosome) from a pathogenic variant. It has also been observed to segregate with disease in related individuals. ClinVar contains an entry for this variant (Variation ID: 31136). Invitae Evidence Modeling of protein sequence and biophysical properties (such as structural, functional, and spatial information, amino acid conservation, physicochemical variation, residue mobility, and thermodynamic stability) indicates that this missense variant is expected to disrupt ACSF3 protein function with a positive predictive value of 95%. For these reasons, this variant has been classified as Pathogenic.

Clinical Genomics Laboratory, Washington University in St. Louis
Classification: Pathogenic for Combined malonic and methylmalonic acidemia. Last evaluated: 2025-10-05. Review status: criteria provided, single submitter. Criteria: ACMG Guidelines, 2015. Collection method: clinical testing. Allele origin: germline. Affected: yes.
Comment: The ACSF3 c.1075G>A (p.Glu359Lys) variant has been reported in both the compound heterozygous and homozygous states in multiple unrelated individuals diagnosed with CMAMMA (Alfares A et al., PMID: 21785126; Brasil S et al,. PMID: 30041674; de Sain-van der Velden MG et al., PMID: 26915364; Sloan SL et al., PMID: 21841779) and is reported as one of the most common causative variants in CMAMMA (Levtova A et al., PMID: 30740739). This variant has been reported in the ClinVar database as a germline pathogenic or likely pathogenic variant by 10 submitters and a variant of uncertain significance by one submitter. The highest reported minor allele frequency in the genome aggregation database (v4.1.0) is 0.14% in the European (Non-Finnish) population which is higher than the estimated incidence of CMAMMA, but consistent with potential asymptomatic clinical course (Levtova A et al., PMID: 30740739). Computational predictors indicate that the variant is damaging, evidence that correlates with impact to ACSF3 function. Based on available information and the ACMG/AMP guidelines for variant interpretation (Richards S et al., PMID: 25741868), this variant is classified as pathogenic.

Natera, Inc.
Classification: Pathogenic for Combined malonic and methylmalonic aciduria. Last evaluated: 2025-09-12. Review status: criteria provided, single submitter. Criteria: Natera Variant Classification Schema (03/2026). Collection method: clinical testing. Allele origin: germline.
Comment: The c.1075G>A variant in ACSF3 is a missense variant predicted to cause substitution of glutamic acid to lysine at amino acid 359. This variant is rare in the general population with a frequency below the threshold expected for the associated phenotype(s). This variant has been observed in one or more individuals affected with the associated recessive disease, as either homozygous or compound heterozygous with a second variant (PMID: 34440436, 30041674, 21841779, 26915364). Functional studies show that this variant may disrupt protein function (PMID: 31376476). Computational prediction algorithms indicate this variant is likely to affect gene or protein function. Given the available evidence, this variant is classified as Pathogenic.

Women's Health and Genetics/Laboratory Corporation of America, LabCorp
Classification: Pathogenic for Combined malonic and methylmalonic acidemia. Last evaluated: 2025-07-03. Review status: criteria provided, single submitter. Criteria: LabCorp Variant Classification Summary - May 2015. Collection method: clinical testing. Allele origin: germline.
Comment: Variant summary: ACSF3 c.1075G>A (p.Glu359Lys) results in a conservative amino acid change located in the AMP-dependent synthetase/ligase domain (IPR000873) of the encoded protein sequence. Algorithms developed to predict the effect of missense changes on protein structure and function are either unavailable or do not agree on the potential impact of this missense change. The variant allele was found at a frequency of 0.00067 in 250734 control chromosomes (gnomAD). c.1075G>A has been reported in the literature as a biallelic genotype in multiple individuals affected with Combined Malonic And Methylmalonic Aciduria (CMAMMA) presenting with elevated levels of MA and/or MMA in urine and/or plasma samples (e.g. Alfares_2011, Sloan_2011, Brasil_2018, Levtova_2019). These data indicate that the variant is very likely to be associated with disease. Several publications report experimental evidence evaluating the effects of the variant in-vitro. One study showed that cells derived from patients harboring the variant have increased accumulation of MMA in the media, and the expression of wild-type ACSF3 in these cells restores the media MMA to levels similar to controls (e.g. Sloan_2011). Another study demonstrated that cells from a homozygous patient have altered metabolic profiles as determined by Seahorse assays (e.g. Wehbe_2019). The following publications have been ascertained in the context of this evaluation (PMID: 21785126, 30041674, 30740739, 21841779, 31376476). ClinVar contains an entry for this variant (Variation ID: 31136). Based on the evidence outlined above, the variant was classified as pathogenic.

First Genomix Gene Laboratory, Genetic Diagnostics Department
Classification: Pathogenic for Combined malonic and methylmalonic acidemia. Last evaluated: 2025-06-04. Review status: criteria provided, single submitter. Criteria: ACMG Guidelines, 2015. Collection method: clinical testing. Allele origin: germline. Inheritance: Autosomal recessive inheritance. Affected: no. Observed: 1 variant allele.

NM_001243279.3(ACSF3):c.1075G>A (p.Glu359Lys)

Genes: ACSF3 (acyl-CoA synthetase family member 3; plus strand), LOC125177393 (P300/CBP strongly-dependent group 1 enhancer GRCh37_chr16:89180375-89181574; plus strand). Cytogenetic location: 16q24.3.
Variant type: single nucleotide variant.
Coding change: c.1075G>A on transcript NM_001243279.3 (MANE Select); coding-DNA position 1075, G replaced by A.
Protein change: p.Glu359Lys; replaces glutamic acid 359 with lysine.
Molecular consequence: missense variant. On other transcripts: non-coding transcript variant (2).
Genome position (GRCh38, 1-based): chr16:89,114,436, G>A. VCF-style: chr16-89114436-G-A. GRCh37 (hg19) VCF-style: chr16-89180844-G-A.
Other names: p.E359K:GAG>AAG; c.1075G>A, p.Glu359Lys (NM_001127214.4, NM_174917.5); c.280G>A, p.Glu94Lys (NM_001284316.2); short protein forms E359K, E94K.
Identifiers: ClinVar variation 31136 (VCV000031136.64), dbSNP rs150487794, ClinGen allele CA129707.